The following is an entry in ClinVar:

ClinVar aggregate classification (germline): Uncertain significance (1 of 4 stars; one submission).

Submission:

Labcorp Genetics (formerly Invitae), Labcorp
Classification: Uncertain significance. Last evaluated: 2023-08-09. Review status: criteria provided, single submitter. Criteria: Invitae Variant Classification Sherloc (09022015). Collection method: clinical testing. Allele origin: germline.
Comment: This sequence change replaces aspartic acid, which is acidic and polar, with valine, which is neutral and non-polar, at codon 144 of the C1QBP protein (p.Asp144Val). In summary, the available evidence is currently insufficient to determine the role of this variant in disease. Therefore, it has been classified as a Variant of Uncertain Significance. Advanced modeling of protein sequence and biophysical properties (such as structural, functional, and spatial information, amino acid conservation, physicochemical variation, residue mobility, and thermodynamic stability) performed at Invitae indicates that this missense variant is not expected to disrupt C1QBP protein function. ClinVar contains an entry for this variant (Variation ID: 2132385). This variant has not been reported in the literature in individuals affected with C1QBP-related conditions. This variant is not present in population databases (gnomAD no frequency).

NM_001212.4(C1QBP):c.431A>T (p.Asp144Val)

Gene: C1QBP (complement C1q binding protein; minus strand). Cytogenetic location: 17p13.2.
Variant type: single nucleotide variant.
Coding change: c.431A>T on transcript NM_001212.4 (MANE Select); coding-DNA position 431, A replaced by T.
Protein change: p.Asp144Val; replaces aspartic acid 144 with valine.
Molecular consequence: missense variant.
Genome position (GRCh38, 1-based): chr17:5,434,919, T>A on the plus strand (A>T on the coding strand, the complement: C1QBP is on the minus strand). VCF-style: chr17-5434919-T-A. GRCh37 (hg19) VCF-style: chr17-5338239-T-A.
Other names: short protein forms D144V.
Identifiers: ClinVar variation 2132385 (VCV002132385.4), dbSNP rs2507766033, ClinGen allele CA397371387.